The following is an entry in ClinVar:

ClinVar aggregate classification (germline): Likely benign. Review status: criteria provided, multiple submitters, no conflicts (2 of 4 stars). 5 submissions from 5 submitters: Likely benign (5). Last evaluated 2026-05-13.

Conditions:
Neurofibromatosis, type 1 (NF1). Also called: VON RECKLINGHAUSEN DISEASE; NEUROFIBROMATOSIS, TYPE I, SOMATIC; Peripheral type neurofibromatosis; Neurofibromatosis, type I. Identifiers: Orphanet 636, MedGen C0027831, MONDO:0018975, OMIM 162200. Disease mechanism: loss of function.

Allele frequency attached by ClinVar (database versions not stated): gnomAD 0.00001; gnomAD exomes 0.00001 and 0.00003; TOPMed 0.00001; ExAC 0.00004.
gnomAD v4.1: 18 of 1,577,122 alleles (0.0011%); highest among the groups gnomAD compares: African/African-American, 0.0027%; no homozygotes.

Submissions (5):

Myriad Genetics, Inc.
Classification: Likely benign for Neurofibromatosis, type 1. Last evaluated: 2026-05-13. Review status: criteria provided, single submitter. Criteria: Myriad Autosomal Dominant, Autosomal Recessive and X-Linked Classification Criteria (2023). Collection method: clinical testing. Allele origin: unknown.
Comment: This variant is considered likely benign. This variant is intronic and is not expected to impact mRNA splicing.

Labcorp Genetics (formerly Invitae), Labcorp
Classification: Likely benign for Neurofibromatosis, type 1. Last evaluated: 2025-12-28. Review status: criteria provided, single submitter. Criteria: Invitae Variant Classification Sherloc (09022015). Collection method: clinical testing. Allele origin: germline.

Blueprint Genetics
Classification: Likely benign. Last evaluated: 2024-09-24. Review status: criteria provided, single submitter. Criteria: ACMG Guidelines, 2015. Collection method: clinical testing. Allele origin: germline.

Genome-Nilou Lab
Classification: Likely benign for Neurofibromatosis, type 1. Last evaluated: 2022-03-15. Review status: criteria provided, single submitter. Criteria: ACMG Guidelines, 2015. Collection method: clinical testing. Allele origin: germline. Affected: no.

GeneDx
Classification: Likely benign. Last evaluated: 2018-12-26. Review status: criteria provided, single submitter. Criteria: GeneDx Variant Classification Process June 2021. Collection method: clinical testing. Allele origin: germline. Affected: yes.

NM_001042492.3(NF1):c.4725-13A>G

Gene: NF1 (neurofibromin 1; plus strand). Cytogenetic location: 17q11.2.
Variant type: single nucleotide variant.
Coding change: c.4725-13A>G on transcript NM_001042492.3 (MANE Select); 13 bases into the intron before coding-DNA position 4725, A replaced by G.
Molecular consequence: intron variant.
Genome position (GRCh38, 1-based): chr17:31,265,216, A>G. VCF-style: chr17-31265216-A-G. GRCh37 (hg19) VCF-style: chr17-29592234-A-G.
Other names: c.4662-13A>G (NM_000267.4).
Identifiers: ClinVar variation 512399 (VCV000512399.14), dbSNP rs759742216, ClinGen allele CA8486468.
Genomic context (GRCh38, chr17:31,265,216, plus strand): 5'-CCAATTATAGACTTTTTTACATACTCAGTAGACAACATAAAGCCTCATAATTACTCTGTT[A>G]TTTTTCTTTTAGGCATCAGGTACATGAAAAAGAAGAATTCAAGGCTTTGAAAACGTTAAG-3'